The following is an entry in ClinVar:

NM_018026.4(PACS1):c.2026G>A (p.Val676Ile)

Gene: PACS1 (phosphofurin acidic cluster sorting protein 1; plus strand). Cytogenetic location: 11q13.2.
Variant type: single nucleotide variant.
Coding change: c.2026G>A on transcript NM_018026.4 (MANE Select); coding-DNA position 2026, G replaced by A.
Protein change: p.Val676Ile; replaces valine 676 with isoleucine.
Molecular consequence: missense variant.
Genome position (GRCh38, 1-based): chr11:66,234,164, G>A. VCF-style: chr11-66234164-G-A. GRCh37 (hg19) VCF-style: chr11-66001635-G-A.
Other names: short protein forms V676I.
Identifiers: ClinVar variation 2632547 (VCV002632547.1), dbSNP rs769785003, ClinGen allele CA6116751.
Genomic context (GRCh38, chr11:66,234,164, plus strand): 5'-TCACCACCTCTGGTTTTCCATCTACCAGGTTCTCACCCTGTGGCCAAATACTTGGGGTCA[G>A]TCGACAGTAAATACAGTAGTTCCTTCCTGGATTCTGGTTGGAGAGATCTGTTCAGTCGCT-3'
Protein context (NP_060496.2, residues 666-686): SHPVAKYLGS[Val676Ile]DSKYSSSFLD

ClinVar aggregate classification (germline): Uncertain significance (1 of 4 stars; one submission).

Conditions:
PACS1-related disorder. Also called: PACS1-related condition.

Allele frequency attached by ClinVar (database versions not stated): ExAC 0.00001; TOPMed 0.00002.

Submission:

PreventionGenetics, part of Exact Sciences
Classification: Uncertain significance for PACS1-related condition. Last evaluated: 2023-07-18. Review status: criteria provided, single submitter. Criteria: ACMG Guidelines, 2015. Collection method: clinical testing. Allele origin: germline.
Comment: The PACS1 c.2026G>A variant is predicted to result in the amino acid substitution p.Val676Ile. To our knowledge, this variant has not been reported in the literature or in a large population database, indicating this variant is rare. At this time, the clinical significance of this variant is uncertain due to the absence of conclusive functional and genetic evidence.